The following is an entry in ClinVar:

ClinVar aggregate classification (germline): Uncertain significance (1 of 4 stars; one submission).

Allele frequency attached by ClinVar (database versions not stated): ExAC 0.00001; gnomAD exomes 0.00001; TOPMed 0.00002.

Submission:

Labcorp Genetics (formerly Invitae), Labcorp
Classification: Uncertain significance. Last evaluated: 2023-03-31. Review status: criteria provided, single submitter. Criteria: Invitae Variant Classification Sherloc (09022015). Collection method: clinical testing. Allele origin: germline.
Comment: This variant is present in population databases (rs754091696, gnomAD 0.003%). This sequence change replaces methionine, which is neutral and non-polar, with isoleucine, which is neutral and non-polar, at codon 1493 of the LAMB1 protein (p.Met1493Ile). This variant has not been reported in the literature in individuals affected with LAMB1-related conditions. An algorithm developed to predict the effect of missense changes on protein structure and function (PolyPhen-2) suggests that this variant is likely to be tolerated. In summary, the available evidence is currently insufficient to determine the role of this variant in disease. Therefore, it has been classified as a Variant of Uncertain Significance.

NM_002291.3(LAMB1):c.4479G>A (p.Met1493Ile)

Gene: LAMB1 (laminin subunit beta 1; minus strand). Cytogenetic location: 7q31.1.
Variant type: single nucleotide variant.
Coding change: c.4479G>A on transcript NM_002291.3 (MANE Select); coding-DNA position 4479, G replaced by A.
Protein change: p.Met1493Ile; replaces methionine 1493 with isoleucine.
Molecular consequence: missense variant.
Genome position (GRCh38, 1-based): chr7:107,931,414, C>T on the plus strand (G>A on the coding strand, the complement: LAMB1 is on the minus strand). VCF-style: chr7-107931414-C-T. GRCh37 (hg19) VCF-style: chr7-107571859-C-T.
Other names: short protein forms M1493I.
Identifiers: ClinVar variation 3021097 (VCV003021097.3), dbSNP rs754091696, ClinGen allele CA4435020.